The following is an entry in ClinVar:

NM_004333.6(BRAF):c.19G>A (p.Gly7Ser)

Gene: BRAF (B-Raf proto-oncogene, serine/threonine kinase; minus strand). Cytogenetic location: 7q34.
Variant type: single nucleotide variant.
Coding change: c.19G>A on transcript NM_004333.6 (MANE Select); coding-DNA position 19, G replaced by A.
Protein change: p.Gly7Ser; replaces glycine 7 with serine.
Molecular consequence: missense variant.
Genome position (GRCh38, 1-based): chr7:140,924,685, C>T on the plus strand (G>A on the coding strand, the complement: BRAF is on the minus strand). VCF-style: chr7-140924685-C-T. GRCh37 (hg19) VCF-style: chr7-140624485-C-T.
Other names: c.19G>A, p.Gly7Ser (NM_001354609.2, NM_001374244.1, NM_001374258.1 and 7 more transcripts); short protein forms G7S.
Identifiers: ClinVar variation 3649380 (VCV003649380.2).

ClinVar aggregate classification (germline): Uncertain significance (1 of 4 stars; one submission).

Conditions:
RASopathy. Also called: Noonan spectrum disorder; rasopathies. Identifiers: Orphanet 536391, MedGen C5555857, MONDO:0021060.

Submission:

Labcorp Genetics (formerly Invitae), Labcorp
Classification: Uncertain significance for RASopathy. Last evaluated: 2024-12-10. Review status: criteria provided, single submitter. Criteria: Invitae Variant Classification Sherloc (09022015). Collection method: clinical testing. Allele origin: germline.
Comment: This sequence change replaces glycine, which is neutral and non-polar, with serine, which is neutral and polar, at codon 7 of the BRAF protein (p.Gly7Ser). This variant is not present in population databases (gnomAD no frequency). This variant has not been reported in the literature in individuals affected with BRAF-related conditions. Invitae Evidence Modeling of protein sequence and biophysical properties (such as structural, functional, and spatial information, amino acid conservation, physicochemical variation, residue mobility, and thermodynamic stability) indicates that this missense variant is expected to disrupt BRAF protein function with a positive predictive value of 95%. In summary, the available evidence is currently insufficient to determine the role of this variant in disease. Therefore, it has been classified as a Variant of Uncertain Significance.